The following is an entry in ClinVar:

ClinVar aggregate classification (germline): Likely pathogenic. Review status: criteria provided, multiple submitters, no conflicts (2 of 4 stars). 3 submissions from 3 submitters: Likely pathogenic (3). Last evaluated 2026-04-06.

Conditions:
Cardiovascular phenotype. Identifiers: MedGen CN230736.
Dilated cardiomyopathy 1G (CMD1G). Identifiers: Orphanet 154, MedGen C1858763, MONDO:0011400, OMIM 604145.
Autosomal recessive limb-girdle muscular dystrophy type 2J (LGMDR10). Also called: Limb-girdle muscular dystrophy, type 2J; MUSCULAR DYSTROPHY, LIMB-GIRDLE, AUTOSOMAL RECESSIVE 10. Identifiers: Orphanet 140922, MedGen C1837342, MONDO:0012127, OMIM 608807.

Submissions (3):

Ambry Genetics
Classification: Likely pathogenic for Cardiovascular phenotype. Last evaluated: 2026-04-06. Review status: criteria provided, single submitter. Criteria: Ambry Variant Classification Scheme 2023. Collection method: clinical testing. Allele origin: germline.
Comment: The c.68274dupT variant, located in coding exon 171 of the TTN gene, results from a duplication of T at nucleotide position 68274, causing a translational frameshift with a predicted alternate stop codon (p.I22759Yfs*9). This exon is located in the A-band region of the N2-B isoform of the titin protein and is constitutively expressed in TTN transcripts (percent spliced in or PSI 100%). This variant is expected to result in loss of function by premature protein truncation or nonsense-mediated mRNA decay. While truncating variants in TTN are present in 1-3% of the general population, truncating variants in the A-band are the most common cause of dilated cardiomyopathy (Herman DS et al. N. Engl. J. Med., 2012 Feb;366:619-28; Roberts AM et al. Sci Transl Med, 2015 Jan;7:270ra6). TTN truncating variants encoded in constitutive exons (PSI >90%) have been found to be significantly associated with DCM regardless of their position in titin (Schafer S et al. Nat. Genet., 2017 01;49:46-53; Akhtar MM et al. Circ Heart Fail, 2020 Oct;13:e006832; Massier M et al. Clin Genet, 2025 Jan). This variant is considered to be rare based on population cohorts in the Genome Aggregation Database (gnomAD). Based on the majority of available evidence to date, this variant is likely to be pathogenic.

GeneDx
Classification: Likely pathogenic. Last evaluated: 2023-04-17. Review status: criteria provided, single submitter. Criteria: GeneDx Variant Classification Process June 2021. Collection method: clinical testing. Allele origin: germline. Affected: yes.
Comment: Frameshift variant predicted to result in protein truncation or nonsense mediated decay in a gene for which loss of function is a known mechanism of disease; Not observed at significant frequency in large population cohorts (gnomAD); Has not been previously published as pathogenic or benign to our knowledge; Located in the A-band region of TTN in which the majority of loss of function variants have been associated with autosomal dominant titinopathies (Herman et al., 2012); This variant is associated with the following publications: (PMID: 22335739)

Labcorp Genetics (formerly Invitae), Labcorp
Classification: Likely pathogenic for Dilated cardiomyopathy 1G; Autosomal recessive limb-girdle muscular dystrophy type 2J. Last evaluated: 2022-07-12. Review status: criteria provided, single submitter. Criteria: Invitae Variant Classification Sherloc (09022015). Collection method: clinical testing. Allele origin: germline.
Comment: This variant has not been reported in the literature in individuals affected with TTN-related conditions. ClinVar contains an entry for this variant (Variation ID: 422810). This variant is located in the A band of TTN (PMID: 25589632). Truncating variants in this region are significantly overrepresented in patients affected with dilated cardiomyopathy (PMID: 25589632). Truncating variants in this region have also been reported in individuals affected with autosomal recessive centronuclear myopathy (PMID: 23975875). In summary, the currently available evidence indicates that the variant is pathogenic, but additional data are needed to prove that conclusively. Therefore, this variant has been classified as Likely Pathogenic. This variant is not present in population databases (gnomAD no frequency). This sequence change creates a premature translational stop signal (p.Ile31824Tyrfs*9) in the TTN gene. While this is not anticipated to result in nonsense mediated decay, it is expected to create a truncated TTN protein.

Literature cited by the submitters: PubMed 25589632 (cited by Labcorp Genetics (formerly Invitae), Labcorp); PubMed 23975875 (cited by Labcorp Genetics (formerly Invitae), Labcorp).

NM_001267550.2(TTN):c.95469dup (p.Ile31824fs)

Genes: TTN (titin; minus strand), TTN-AS1 (TTN antisense RNA 1; plus strand). Cytogenetic location: 2q31.2.
Variant type: Duplication.
Coding change: c.95469dup on transcript NM_001267550.2 (MANE Select); coding-DNA position 95469, one base duplicated (T; older notation c.95469dupT).
Protein change: p.Ile31824fs; shifts the reading frame from isoleucine 31824.
Molecular consequence: frameshift variant.
Genome position (GRCh38, 1-based): chr2:178,545,641, A duplicated on the plus strand (T on the coding strand, the reverse complement: TTN is on the minus strand). VCF-style (leftmost placement, unchanged base first): chr2-178545640-T-TA. GRCh37 (hg19) VCF-style: chr2-179410367-T-TA.
Other names: c.90546dupT (NM_001256850.1); c.90546dup, p.Ile30183fs (NM_001256850.1); c.68274dup, p.Ile22759fs (NM_003319.4); c.87765dup, p.Ile29256fs (NM_133378.4); c.68649dup, p.Ile22884fs (NM_133432.3); c.68850dup, p.Ile22951fs (NM_133437.4); c.95469dup (NM_001267550.1); c.68274dupT (NM_003319.4); short protein forms I22951fs, I29256fs, I22759fs, I22884fs, I30183fs, I31824fs.
Identifiers: ClinVar variation 422810 (VCV000422810.12), dbSNP rs1553520581, ClinGen allele CA16617334.